The following is an entry in ClinVar:

NM_006030.4(CACNA2D2):c.1153T>A (p.Ser385Thr)

Gene: CACNA2D2 (calcium voltage-gated channel auxiliary subunit alpha2delta 2; minus strand). Cytogenetic location: 3p21.31.
Variant type: single nucleotide variant.
Coding change: c.1153T>A on transcript NM_006030.4 (MANE Select); coding-DNA position 1153, T replaced by A.
Protein change: p.Ser385Thr; replaces serine 385 with threonine.
Molecular consequence: missense variant.
Genome position (GRCh38, 1-based): chr3:50,379,199, A>T on the plus strand (T>A on the coding strand, the complement: CACNA2D2 is on the minus strand). VCF-style: chr3-50379199-A-T. GRCh37 (hg19) VCF-style: chr3-50416630-A-T.
Other names: c.1153T>A, p.Ser385Thr (NM_001005505.3, NM_001174051.3); c.946T>A, p.Ser316Thr (NM_001291101.1); short protein forms S316T, S385T.
Identifiers: ClinVar variation 1363888 (VCV001363888.7), dbSNP rs1392949840, ClinGen allele CA352934908.

ClinVar aggregate classification (germline): Uncertain significance (1 of 4 stars; one submission).

Conditions:
Early-infantile DEE. Also called: Early infantile epileptic encephalopathy with suppression bursts; Ohtahara syndrome; Early infantile epileptic encephalopathy. Identifiers: Orphanet 1934, MedGen C0393706, MONDO:0800491.

Allele frequency attached by ClinVar (database versions not stated): gnomAD exomes 0.00001 and 0.00002.
gnomAD v4.1: 15 of 1,612,568 alleles (0.00093%); highest among the groups gnomAD compares: South Asian, 0.016%; no homozygotes.

Submission:

Labcorp Genetics (formerly Invitae), Labcorp
Classification: Uncertain significance for Early-infantile DEE. Last evaluated: 2025-12-01. Review status: criteria provided, single submitter. Criteria: Invitae Variant Classification Sherloc (09022015). Collection method: clinical testing. Allele origin: germline.
Comment: This sequence change replaces serine, which is neutral and polar, with threonine, which is neutral and polar, at codon 385 of the CACNA2D2 protein (p.Ser385Thr). This variant is present in population databases (no rsID available, gnomAD 0.02%). This variant has not been reported in the literature in individuals affected with CACNA2D2-related conditions. ClinVar contains an entry for this variant (Variation ID: 1363888). An algorithm developed to predict the effect of missense changes on protein structure and function (PolyPhen-2) suggests that this variant is likely to be tolerated. In summary, the available evidence is currently insufficient to determine the role of this variant in disease. Therefore, it has been classified as a Variant of Uncertain Significance.